The following is an entry in ClinVar:

NM_015378.4(VPS13D):c.1798_1799del (p.Pro600fs)

Gene: VPS13D (vacuolar protein sorting 13 homolog D; plus strand). Cytogenetic location: 1p36.22.
Variant type: Deletion.
Coding change: c.1798_1799del on transcript NM_015378.4 (MANE Select); coding-DNA positions 1798 to 1799, 2 bases deleted (CC; older notation c.1798_1799delCC).
Protein change: p.Pro600fs; shifts the reading frame from proline 600.
Molecular consequence: frameshift variant.
Genome position (GRCh38, 1-based): chr1:12,267,917-12,267,918, CC deleted; deleting any 2 consecutive bases within chr1:12,267,916-12,267,918 gives the same sequence; the c. name uses the placement nearest the transcript's 3' end. VCF-style (leftmost placement, unchanged base first): chr1-12267915-ACC-A. GRCh37 (hg19) VCF-style: chr1-12327972-ACC-A.
Other names: c.1798_1799del, p.Pro600fs (NM_018156.4); short protein forms P600fs.
Identifiers: ClinVar variation 2033943 (VCV002033943.4), dbSNP rs2523975768, ClinGen allele CA2580060548.

ClinVar aggregate classification (germline): Pathogenic (1 of 4 stars; one submission).

Submission:

Labcorp Genetics (formerly Invitae), Labcorp
Classification: Pathogenic. Last evaluated: 2022-10-03. Review status: criteria provided, single submitter. Criteria: Invitae Variant Classification Sherloc (09022015). Collection method: clinical testing. Allele origin: germline.
Comment: For these reasons, this variant has been classified as Pathogenic. This variant has not been reported in the literature in individuals affected with VPS13D-related conditions. This variant is not present in population databases (gnomAD no frequency). This sequence change creates a premature translational stop signal (p.Pro600Serfs*10) in the VPS13D gene. It is expected to result in an absent or disrupted protein product. Loss-of-function variants in VPS13D are known to be pathogenic (PMID: 29518281).

Literature cited by the submitters: PubMed 29518281.